The following is an entry in ClinVar:

NM_000051.4(ATM):c.3676G>C (p.Asp1226His)

Gene: ATM (ATM serine/threonine kinase; plus strand). Cytogenetic location: 11q22.3.
Variant type: single nucleotide variant.
Coding change: c.3676G>C on transcript NM_000051.4 (MANE Select); coding-DNA position 3676, G replaced by C.
Protein change: p.Asp1226His; replaces aspartic acid 1226 with histidine.
Molecular consequence: missense variant.
Genome position (GRCh38, 1-based): chr11:108,282,809, G>C. VCF-style: chr11-108282809-G-C. GRCh37 (hg19) VCF-style: chr11-108153536-G-C.
Other names: c.3676G>C, p.Asp1226His (NM_001351834.2); short protein forms D1226H.
Identifiers: ClinVar variation 232272 (VCV000232272.26), dbSNP rs370974808, ClinGen allele CA6265331.

ClinVar aggregate classification (germline): Uncertain significance. Review status: criteria provided, multiple submitters, no conflicts (2 of 4 stars). 10 submissions from 10 submitters: Uncertain significance (9). 1 of the submissions does not count toward it. Last evaluated 2026-08-06.

Conditions:
Hereditary cancer-predisposing syndrome. Also called: Tumor predisposition; Hereditary neoplastic syndrome; Neoplastic Syndromes, Hereditary; Hereditary Cancer Syndrome. Identifiers: Orphanet 140162, MedGen C0027672, MeSH D009386, MONDO:0015356.
Familial cancer of breast. Also called: hereditary breast carcinoma; Hereditary breast cancer; BREAST CANCER, FAMILIAL. Identifiers: Orphanet 227535, MedGen C0346153, MONDO:0016419, OMIM 114480. Disease mechanism: loss of function.
Ataxia-telangiectasia syndrome (AT). Also called: Cerebello-oculocutaneous telangiectasia; Immunodeficiency with ataxia telangiectasia; Ataxia telangiectasia (A-T); Ataxia-telangiectasia; LOUIS-BAR SYNDROME; Ataxia-telangiectasia, complementation group D. Identifiers: Orphanet 100, MedGen C0004135, MONDO:0008840, OMIM 208900.

Allele frequency attached by ClinVar (database versions not stated): gnomAD exomes 0.00001; ESP Exome Variant Server 0.00008; ExAC 0.00002; TOPMed below 0.00001.
gnomAD v4.1: 12 of 1,567,582 alleles (0.00077%); highest among the groups gnomAD compares: Middle Eastern, 0.051%; no homozygotes.

Submissions (10):

OLLIN Analises Genomicas, OLLIN
Classification: Uncertain significance for Familial cancer of breast. Last evaluated: 2026-08-06. Review status: criteria provided, single submitter. Criteria: ACMG Guidelines 2015 PMID 25741868. Collection method: clinical testing. Allele origin: germline. Inheritance: Autosomal recessive inheritance.
Comment: This missense variant, located in exon 25 (of 63), has been reported in ClinVar (accession VCV000232272.25) and in gnomAD with an allele frequency of 0.00077%. However, to our knowledge, it has not been reported in the scientific literature. In silico analysis predicts that this variant has a tolerated effect. According to the currently available evidence, this variant has been classified as uncertain significance (BP4).

Ambry Genetics
Classification: Uncertain significance for Hereditary cancer-predisposing syndrome. Last evaluated: 2025-03-12. Review status: criteria provided, single submitter. Criteria: Ambry Variant Classification Scheme 2023. Collection method: clinical testing. Allele origin: germline.
Comment: The p.D1226H variant (also known as c.3676G>C), located in coding exon 24 of the ATM gene, results from a G to C substitution at nucleotide position 3676. The aspartic acid at codon 1226 is replaced by histidine, an amino acid with similar properties. This amino acid position is well conserved in available vertebrate species. In addition, this alteration is predicted to be tolerated by in silico analysis. Based on the available evidence, the clinical significance of this variant remains unclear.

Labcorp Genetics (formerly Invitae), Labcorp
Classification: Uncertain significance for Ataxia-telangiectasia syndrome. Last evaluated: 2024-12-09. Review status: criteria provided, single submitter. Criteria: Invitae Variant Classification Sherloc (09022015). Collection method: clinical testing. Allele origin: germline.
Comment: This sequence change replaces aspartic acid, which is acidic and polar, with histidine, which is basic and polar, at codon 1226 of the ATM protein (p.Asp1226His). This variant is present in population databases (rs370974808, gnomAD 0.003%). This variant has not been reported in the literature in individuals affected with ATM-related conditions. ClinVar contains an entry for this variant (Variation ID: 232272). Invitae Evidence Modeling of protein sequence and biophysical properties (such as structural, functional, and spatial information, amino acid conservation, physicochemical variation, residue mobility, and thermodynamic stability) indicates that this missense variant is not expected to disrupt ATM protein function with a negative predictive value of 95%. In summary, the available evidence is currently insufficient to determine the role of this variant in disease. Therefore, it has been classified as a Variant of Uncertain Significance.

Baylor Genetics
Classification: Uncertain significance for Familial cancer of breast. Last evaluated: 2024-03-25. Review status: criteria provided, single submitter. Criteria: ACMG Guidelines, 2015. Collection method: clinical testing. Allele origin: unknown.

Quest Diagnostics Nichols Institute San Juan Capistrano
Classification: Uncertain significance. Last evaluated: 2023-10-22. Review status: criteria provided, single submitter. Criteria: Quest Diagnostics criteria. Collection method: clinical testing. Allele origin: unknown.

Color Diagnostics, LLC DBA Color Health
Classification: Uncertain significance for Hereditary cancer-predisposing syndrome. Last evaluated: 2023-02-06. Review status: criteria provided, single submitter. Criteria: ACMG Guidelines, 2015. Collection method: clinical testing. Allele origin: germline.
Comment: This missense variant replaces aspartic acid with histidine at codon 1226 of the ATM protein. Computational prediction suggests that this variant may not impact protein structure and function (internally defined REVEL score threshold <= 0.5, PMID: 27666373). To our knowledge, functional studies have not been reported for this variant. In a large international case-control study, this variant was reported in 2/60464 breast cancer cases and 1/53460 controls (PMID: 33471991). This variant has been identified in 2/250534 chromosomes in the general population by the Genome Aggregation Database (gnomAD). The available evidence is insufficient to determine the role of this variant in disease conclusively. Therefore, this variant is classified as a Variant of Uncertain Significance.

GeneDx
Classification: Uncertain significance. Last evaluated: 2022-10-26. Review status: criteria provided, single submitter. Criteria: GeneDx Variant Classification Process June 2021. Collection method: clinical testing. Allele origin: germline. Affected: yes.
Comment: Not observed at significant frequency in large population cohorts (gnomAD); In silico analysis supports that this missense variant does not alter protein structure/function; Observed in an individual undergoing hereditary cancer genetic testing (Tsaousis et al., 2019); This variant is associated with the following publications: (PMID: 31159747, 19781682)

Mendelics
Classification: Uncertain significance for Ataxia-telangiectasia syndrome. Last evaluated: 2019-05-28. Review status: criteria provided, single submitter. Criteria: Mendelics Assertion Criteria 2017. Collection method: clinical testing. Allele origin: unknown.

GeneKor MSA
Classification: Uncertain significance for Hereditary cancer-predisposing syndrome. Last evaluated: 2018-08-01. Review status: criteria provided, single submitter. Criteria: ACMG Guidelines, 2015. Collection method: clinical testing. Allele origin: germline. Affected: yes.

Natera, Inc.
Classification: Uncertain significance for Ataxia-telangiectasia. Last evaluated: 2020-09-16. Review status: no assertion criteria provided. Collection method: clinical testing. Allele origin: germline. Not counted in ClinVar's aggregate classification.

Literature cited by the submitters: PubMed 33471991 (cited by Quest Diagnostics Nichols Institute San Juan Capistrano and Color Diagnostics, LLC DBA Color Health).